The following is an entry in ClinVar:

ClinVar aggregate classification (germline): Uncertain significance (1 of 4 stars; one submission).

gnomAD v4.1: 6 of 1,575,350 alleles (0.00038%); highest among the groups gnomAD compares: Non-Finnish European, 0.00052%; no homozygotes.

Submission:

GeneDx
Classification: Uncertain significance. Last evaluated: 2024-06-25. Review status: criteria provided, single submitter. Criteria: GeneDx Variant Classification Process June 2021. Collection method: clinical testing. Allele origin: germline. Affected: yes.
Comment: Not observed at significant frequency in large population cohorts (gnomAD); In silico analysis supports that this missense variant has a deleterious effect on protein structure/function; Has not been previously published as pathogenic or benign to our knowledge

NM_032119.4(ADGRV1):c.2897A>G (p.Glu966Gly)

Gene: ADGRV1 (adhesion G protein-coupled receptor V1; plus strand). Cytogenetic location: 5q14.3.
Variant type: single nucleotide variant.
Coding change: c.2897A>G on transcript NM_032119.4 (MANE Select); coding-DNA position 2897, A replaced by G.
Protein change: p.Glu966Gly; replaces glutamic acid 966 with glycine.
Molecular consequence: missense variant. On other transcripts: non-coding transcript variant (1).
Genome position (GRCh38, 1-based): chr5:90,644,868, A>G. VCF-style: chr5-90644868-A-G. GRCh37 (hg19) VCF-style: chr5-89940685-A-G.
Other names: short protein forms E966G.
Identifiers: ClinVar variation 3392572 (VCV003392572.1).